The following is an entry in ClinVar:

NC_000009.11:g.(317129_325670)_(340322_368017)dup

Gene: DOCK8 (dedicator of cytokinesis 8; plus strand). Cytogenetic location: 9p24.3.
Variant type: Duplication.
Identifiers: ClinVar variation 3374775 (VCV003374775.2).

ClinVar aggregate classification (germline): Uncertain significance (1 of 4 stars; one submission).

Submission:

Women's Health and Genetics/Laboratory Corporation of America, LabCorp
Classification: Uncertain significance. Last evaluated: 2025-03-19. Review status: criteria provided, single submitter. Criteria: LabCorp Variant Classification Summary - May 2015. Collection method: clinical testing. Allele origin: germline.
Comment: Variant summary: The variant involves the duplication of exons 8-14 in the DOCK8 gene. A presumed nomenclature of c.(827+1_828-1)_(1679+1_1680-1)dup has been designated for the purposes of this classification. It is assumed to be a tandem duplication in direct orientation (PMIDs: 25640679, 30054569). This Copy Number Variant (CNV) is predicted to result in an in-frame duplication within this gene. The variant was absent in 21692 control chromosomes (gnomAD, structraual variants dataset). The available data on variant occurrences in the general population are insufficient to allow any conclusion about variant significance. To our knowledge, no occurrence of c.(827+1_828-1)_(1679+1_1680-1)dup in individuals affected with Severe Combined Immunodeficiency and no experimental evidence demonstrating its impact on protein function have been reported. ClinVar contains an entry for this variant (Variation ID: 536617). Based on the evidence outlined above, the variant was classified as uncertain significance.